The following is an entry in ClinVar:

NM_025103.4(IFT74):c.1319A>G (p.Gln440Arg)

Gene: IFT74 (intraflagellar transport 74; plus strand). Cytogenetic location: 9p21.2.
Variant type: single nucleotide variant.
Coding change: c.1319A>G on transcript NM_025103.4 (MANE Select); coding-DNA position 1319, A replaced by G.
Protein change: p.Gln440Arg; replaces glutamine 440 with arginine.
Molecular consequence: missense variant.
Genome position (GRCh38, 1-based): chr9:27,048,260, A>G. VCF-style: chr9-27048260-A-G. GRCh37 (hg19) VCF-style: chr9-27048258-A-G.
Other names: c.1319A>G, p.Gln440Arg (NM_001099222.3, NM_001099223.3, NM_001349928.2); c.1319A>G (NM_025103.2); short protein forms Q440R.
Identifiers: ClinVar variation 1919360 (VCV001919360.3), dbSNP rs981084725, ClinGen allele CA191348720.

ClinVar aggregate classification (germline): Uncertain significance. Review status: criteria provided, single submitter (1 of 4 stars). 2 submissions from 2 submitters: Uncertain significance (1). 1 of the submissions does not count toward it. Last evaluated 2021-11-30.

Conditions:
IFT74-related disorder. Also called: IFT74-related condition; IFT74-Related Disorders.

Allele frequency attached by ClinVar (database versions not stated): gnomAD 0.00001; TOPMed 0.00001.

Submissions (2):

Labcorp Genetics (formerly Invitae), Labcorp
Classification: Uncertain significance. Last evaluated: 2021-11-30. Review status: criteria provided, single submitter. Criteria: Invitae Variant Classification Sherloc (09022015). Collection method: clinical testing. Allele origin: germline.
Comment: This sequence change replaces glutamine, which is neutral and polar, with arginine, which is basic and polar, at codon 440 of the IFT74 protein (p.Gln440Arg). This variant is not present in population databases (gnomAD no frequency). This variant has not been reported in the literature in individuals affected with IFT74-related conditions. Algorithms developed to predict the effect of missense changes on protein structure and function output the following: SIFT: "Tolerated"; PolyPhen-2: "Benign"; Align-GVGD: "Class C0". The arginine amino acid residue is found in multiple mammalian species, which suggests that this missense change does not adversely affect protein function. In summary, the available evidence is currently insufficient to determine the role of this variant in disease. Therefore, it has been classified as a Variant of Uncertain Significance.

PreventionGenetics, part of Exact Sciences
Classification: Uncertain significance for IFT74-related condition. Last evaluated: 2024-08-28. Review status: no assertion criteria provided. Collection method: clinical testing. Allele origin: germline. Not counted in ClinVar's aggregate classification.
Comment: The IFT74 c.1319A>G variant is predicted to result in the amino acid substitution p.Gln440Arg. To our knowledge, this variant has not been reported in the literature or in a large population database, indicating this variant is rare. At this time, the clinical significance of this variant is uncertain due to the absence of conclusive functional and genetic evidence.